The following is an entry in ClinVar:

NM_003172.4(SURF1):c.751+5G>A

Gene: SURF1 (SURF1 cytochrome c oxidase assembly factor; minus strand). Cytogenetic location: 9q34.2.
Variant type: single nucleotide variant.
Coding change: c.751+5G>A on transcript NM_003172.4 (MANE Select); 5 bases into the intron after coding-DNA position 751, G replaced by A.
Molecular consequence: intron variant.
Genome position (GRCh38, 1-based): chr9:133,352,441, C>T on the plus strand (G>A on the coding strand, the complement: SURF1 is on the minus strand). VCF-style: chr9-133352441-C-T. GRCh37 (hg19) VCF-style: chr9-136219296-C-T.
Other names: c.424+5G>A (NM_001280787.1).
Identifiers: ClinVar variation 373217 (VCV000373217.8), dbSNP rs781934508, ClinGen allele CA16042683.

ClinVar aggregate classification (germline): Conflicting classifications of pathogenicity. Review status: criteria provided, conflicting classifications (1 of 4 stars). 7 submissions from 7 submitters: Likely pathogenic (5); Uncertain significance (2). Last evaluated 2026-01-07.

Conditions:
Abnormal pyramidal sign. Also called: Abnormal pyramidal signs. Identifiers: MedGen C0234132, HP:0007256.
Dysarthria. Identifiers: MedGen C0013362, HP:0001260.
Muscle weakness. Identifiers: MedGen C0151786, HP:0001324.
Cerebellar ataxia. Identifiers: Orphanet 102002, MedGen C0007758, MONDO:0000437.
Possible mitochondrial disorder - nuclear genes.
Charcot-Marie-Tooth disease type 4K. Also called: CHARCOT-MARIE-TOOTH DISEASE, DEMYELINATING, AUTOSOMAL RECESSIVE, TYPE 4K; CHARCOT-MARIE-TOOTH NEUROPATHY, DEMYELINATING, AUTOSOMAL RECESSIVE, TYPE 4K; CHARCOT-MARIE-TOOTH DISEASE, DEMYELINATING, TYPE 4K. Identifiers: Orphanet 391351, MedGen C4225246, MONDO:0014733, OMIM 616684.
Mitochondrial complex IV deficiency, nuclear type 1 (MC4DN1). Also called: Mitochondrial complex IV deficiency; Complex 4 mitochondrial respiratory chain deficiency; Deficiency of mitochondrial respiratory chain complex4; Complex IV deficiency; COX DEFICIENCY. Identifiers: MedGen C5435656, MONDO:0700250, OMIM 220110. Disease mechanism: loss of function.
Leigh syndrome (NULS). Also called: Leigh's syndrome; Leigh Disease; Subacute necrotizing encephalopathy; Necrotizing encephalopathy infantile subacute of Leigh; LEIGH SYNDROME, NUCLEAR; Leigh's necrotizing encephalopathy. Identifiers: Orphanet 506, MedGen C2931891, MONDO:0009723, OMIM 256000.

Allele frequency attached by ClinVar (database versions not stated): gnomAD 0.00001; TOPMed 0.00001; ExAC 0.00002; gnomAD exomes 0.00002.
gnomAD v4.1: 32 of 1,614,104 alleles (0.002%); highest among the groups gnomAD compares: Admixed American, 0.005%; no homozygotes.

Submissions (7):

Genetics Laboratory, Great Ormond Street Hospital NHS Foundation Trust, North Thames Genomic Laboratory Hub
Classification: Likely pathogenic for Possible mitochondrial disorder - nuclear genes. Last evaluated: 2026-01-07. Review status: criteria provided, single submitter. Criteria: ACGS Best Practice Guidelines for Variant Classification in Rare Disease 2024 v1.2. Collection method: clinical testing. Allele origin: germline. Affected: yes.
Comment: PM2_moderate, PP3_supporting, PM3_moderate, PP4_supporting

Women's Health and Genetics/Laboratory Corporation of America, LabCorp
Classification: Uncertain significance. Last evaluated: 2024-12-09. Review status: criteria provided, single submitter. Criteria: LabCorp Variant Classification Summary - May 2015. Collection method: clinical testing. Allele origin: germline.
Comment: Variant summary: SURF1 c.751+5G>A alters a conserved nucleotide located close to a canonical splice site and therefore could affect mRNA splicing, leading to a significantly altered protein sequence. Several computational tools predict a significant impact on normal splicing: Four predict the variant abolishes a canonical 5' splicing donor site. However, these predictions have yet to be confirmed by functional studies. The variant allele was found at a frequency of 2.4e-05 in 251472 control chromosomes (gnomAD). c.751+5G>A has been reported in the literature in individuals affected with Leigh Syndrome (West_2009, Wedetilake_2013, Alves_2020). These data indicate that the variant may be associated with disease. To our knowledge, no experimental evidence demonstrating an impact on protein function has been reported. The following publications have been ascertained in the context of this evaluation (PMID: 23829769, 32445240, 19791729). ClinVar contains an entry for this variant (Variation ID: 373217). Based on the evidence outlined above, the variant was classified as VUS-possibly pathogenic.

Fulgent Genetics
Classification: Likely pathogenic for Mitochondrial complex IV deficiency, nuclear type 1; Charcot-Marie-Tooth disease type 4K. Last evaluated: 2024-06-10. Review status: criteria provided, single submitter. Criteria: ACMG Guidelines, 2015. Collection method: clinical testing. Allele origin: germline.

3billion
Classification: Likely pathogenic for Mitochondrial complex IV deficiency, nuclear type 1. Last evaluated: 2022-09-01. Review status: criteria provided, single submitter. Criteria: ACMG Guidelines, 2015. Collection method: clinical testing. Allele origin: germline. Affected: yes. Observed: 1 heterozygote.
Comment: The variant is observed at an extremely low frequency in the gnomAD v2.1.1 dataset (total allele frequency: 0.002%). In silico tools predict the variant to alter splicing and produce an abnormal transcript (SpliceAI: 0.89). The variant has been reported at least twice as pathogenic without evidence for the classification (ClinVar ID: VCV000373217). Therefore, this variant is classified as Likely pathogenic according to the recommendation of ACMG/AMP guideline.

Labcorp Genetics (formerly Invitae), Labcorp
Classification: Uncertain significance for Leigh syndrome. Last evaluated: 2022-08-13. Review status: criteria provided, single submitter. Criteria: Invitae Variant Classification Sherloc (09022015). Collection method: clinical testing. Allele origin: germline.
Comment: This sequence change falls in intron 7 of the SURF1 gene. It does not directly change the encoded amino acid sequence of the SURF1 protein. It affects a nucleotide within the consensus splice site. This variant is present in population databases (rs781934508, gnomAD 0.003%). This variant has been observed in individuals with Leigh syndrome and/or SURF1 deficiency (PMID: 23829769, 32445240). ClinVar contains an entry for this variant (Variation ID: 373217). Variants that disrupt the consensus splice site are a relatively common cause of aberrant splicing (PMID: 17576681, 9536098). Algorithms developed to predict the effect of sequence changes on RNA splicing suggest that this variant may disrupt the consensus splice site. In summary, the available evidence is currently insufficient to determine the role of this variant in disease. Therefore, it has been classified as a Variant of Uncertain Significance.

Centre for Mendelian Genomics, University Medical Centre Ljubljana
Classification: Likely pathogenic for Abnormal pyramidal sign; Ataxia; Dysarthria; Muscle weakness. Last evaluated: 2017-01-01. Review status: criteria provided, single submitter. Criteria: ACMG Guidelines, 2015. Collection method: clinical testing. Allele origin: unknown. Affected: yes.

GeneDx
Classification: Likely pathogenic. Last evaluated: 2016-11-25. Review status: criteria provided, single submitter. Criteria: GeneDx Variant Classification (06012015). Collection method: clinical testing. Allele origin: germline. Affected: yes.
Comment: The c.751+5 G>A variant has not been published as a pathogenic variant, nor has it been reported as a benign variant to our knowledge. This variant occurs at a position that is conserved across species and several in-silico splice prediction models predict that c.751+5 G>A destroys the the natural splice donor site in intron 7 and may lead to abnormal gene splicing. Therefore, we interpret c.751+5 G>A to be a likely pathogenic variant; however, in the absence of RNA/functional studies, the actual effect of this sequence change in this individual is unknown.

Literature cited by the submitters: PubMed 23829769 (cited by Women's Health and Genetics/Laboratory Corporation of America, LabCorp and Labcorp Genetics (formerly Invitae), Labcorp); PubMed 32445240 (cited by Women's Health and Genetics/Laboratory Corporation of America, LabCorp and Labcorp Genetics (formerly Invitae), Labcorp); PubMed 19791729 (cited by Women's Health and Genetics/Laboratory Corporation of America, LabCorp); PubMed 22488715 (cited by 3billion); PubMed 17576681 (cited by Labcorp Genetics (formerly Invitae), Labcorp); PubMed 9536098 (cited by Labcorp Genetics (formerly Invitae), Labcorp).